The following is an entry in ClinVar:

ClinVar aggregate classification (germline): Uncertain significance (1 of 4 stars; one submission).

Submission:

Labcorp Genetics (formerly Invitae), Labcorp
Classification: Uncertain significance. Last evaluated: 2021-08-31. Review status: criteria provided, single submitter. Criteria: Invitae Variant Classification Sherloc (09022015). Collection method: clinical testing. Allele origin: germline.
Comment: This sequence change affects codon 1155 of the PCNT mRNA. It is a 'silent' change, meaning that it does not change the encoded amino acid sequence of the PCNT protein. It affects a nucleotide within the consensus splice site of the intron. This variant is not present in population databases (ExAC no frequency). This variant has not been reported in the literature in individuals affected with PCNT-related conditions. Algorithms developed to predict the effect of sequence changes on RNA splicing suggest that this variant is not likely to affect RNA splicing. In summary, the available evidence is currently insufficient to determine the role of this variant in disease. Therefore, it has been classified as a Variant of Uncertain Significance.

NM_006031.6(PCNT):c.3463A>C (p.Arg1155=)

Gene: PCNT (pericentrin; plus strand). Cytogenetic location: 21q22.3.
Variant type: single nucleotide variant.
Coding change: c.3463A>C on transcript NM_006031.6 (MANE Select); coding-DNA position 3463, A replaced by C.
Protein change: p.Arg1155=; no amino-acid change (arginine 1155 retained).
Molecular consequence: synonymous variant.
Genome position (GRCh38, 1-based): chr21:46,385,982, A>C. VCF-style: chr21-46385982-A-C. GRCh37 (hg19) VCF-style: chr21-47805897-A-C.
Other names: c.3109A>C, p.Arg1037= (NM_001315529.2).
Identifiers: ClinVar variation 1376118 (VCV001376118.6), dbSNP rs775021770, ClinGen allele CA512737601.